The following is an entry in ClinVar:

ClinVar aggregate classification (germline): Uncertain significance (1 of 4 stars; one submission).

Submission:

GeneDx
Classification: Uncertain significance. Last evaluated: 2024-01-02. Review status: criteria provided, single submitter. Criteria: GeneDx Variant Classification Process June 2021. Collection method: clinical testing. Allele origin: germline. Affected: yes.
Comment: Not observed at significant frequency in large population cohorts (gnomAD); In silico analysis supports that this missense variant has a deleterious effect on protein structure/function; Has not been previously published as pathogenic or benign to our knowledge; Occurs in the triple helical domain at the Y position in the canonical Gly-X-Y repeat; although this variant may have an effect on normal protein folding and function, missense substitution at the Y position is not a common mechanism of disease

NM_000092.5(COL4A4):c.664C>T (p.Pro222Ser)

Gene: COL4A4 (collagen type IV alpha 4 chain; minus strand). Cytogenetic location: 2q36.3.
Variant type: single nucleotide variant.
Coding change: c.664C>T on transcript NM_000092.5 (MANE Select); coding-DNA position 664, C replaced by T.
Protein change: p.Pro222Ser; replaces proline 222 with serine.
Molecular consequence: missense variant.
Genome position (GRCh38, 1-based): chr2:227,108,862, G>A on the plus strand (C>T on the coding strand, the complement: COL4A4 is on the minus strand). VCF-style: chr2-227108862-G-A. GRCh37 (hg19) VCF-style: chr2-227973578-G-A.
Other names: short protein forms P222S.
Identifiers: ClinVar variation 3365931 (VCV003365931.1).
Genomic context (GRCh38, chr2:227,108,862, plus strand): 5'-CTATTGATGTATCTTGCTCATGACTGCCTACCTTCAAACCTGGACGCCCTGGTTGGCCCG[G>A]AGGTCCCTAAATCAAGGGAGAAAAAAACACAAATCAATCATCAGACATAGAAATCAGAAT-3'
Protein context (NP_000083.3, residues 212-232): YPGEPGLVGP[Pro222Ser]GQPGRPGLKG